The following is an entry in ClinVar:

NM_032790.4(ORAI1):c.142dup (p.Ser48fs)

Genes: ORAI1 (ORAI calcium release-activated calcium modulator 1; plus strand), LOC130008987 (ATAC-STARR-seq lymphoblastoid silent region 4981; plus strand). Cytogenetic location: 12q24.31.
Variant type: Duplication.
Coding change: c.142dup on transcript NM_032790.4 (MANE Select); coding-DNA position 142, one base duplicated (T; older notation c.142dupT).
Protein change: p.Ser48fs; shifts the reading frame from serine 48.
Molecular consequence: frameshift variant. On other transcripts: non-coding transcript variant (1).
Genome position (GRCh38, 1-based): chr12:121,626,889, T duplicated. VCF-style (leftmost placement, unchanged base first): chr12-121626888-G-GT. GRCh37 (hg19) VCF-style: chr12-122064794-G-GT.
Other names: p.Pro48Serfs*42; c.141_142insT (NM_032790.3); short protein forms S48fs.
Identifiers: ClinVar variation 3035049 (VCV003035049.2), dbSNP rs2503522277, ClinGen allele CA2740097591.

ClinVar aggregate classification (germline): Benign/Likely benign. Review status: criteria provided, multiple submitters, no conflicts (2 of 4 stars). 2 submissions from 2 submitters: Benign (1); Likely benign (1). Last evaluated 2024-05-13.

Conditions:
ORAI1-related disorder. Also called: ORAI1-related condition.

Submissions (2):

Mayo Clinic Laboratories, Mayo Clinic
Classification: Benign. Last evaluated: 2024-05-13. Review status: criteria provided, single submitter. Criteria: ACMG Guidelines, 2015. Collection method: clinical testing. Allele origin: germline. Observed: 9 variant alleles.
Comment: BS1, BS2

PreventionGenetics, part of Exact Sciences
Classification: Likely benign for ORAI1-related condition. Last evaluated: 2020-02-05. Review status: criteria provided, single submitter. Criteria: ACMG Guidelines, 2015. Collection method: clinical testing. Allele origin: germline.
Comment: This variant is classified as likely benign based on ACMG/AMP sequence variant interpretation guidelines (Richards et al. 2015 PMID: 25741868, with internal and published modifications).